The following is an entry in ClinVar:

ClinVar aggregate classification (germline): Uncertain significance (1 of 4 stars; one submission).

Submission:

Ambry Genetics
Classification: Uncertain significance. Last evaluated: 2023-07-27. Review status: criteria provided, single submitter. Criteria: Ambry Variant Classification Scheme 2023. Collection method: clinical testing. Allele origin: germline.
Comment: The p.C438W variant (also known as c.1314T>G), located in coding exon 13 of the NPAT gene, results from a T to G substitution at nucleotide position 1314. The cysteine at codon 438 is replaced by tryptophan, an amino acid with highly dissimilar properties. This amino acid position is conserved. In addition, this alteration is predicted to be tolerated by in silico analysis. Since supporting evidence is limited at this time, the clinical significance of this alteration remains unclear.

NM_002519.3(NPAT):c.1314T>G (p.Cys438Trp)

Gene: NPAT (nuclear protein, coactivator of histone transcription; minus strand). Cytogenetic location: 11q22.3.
Variant type: single nucleotide variant.
Coding change: c.1314T>G on transcript NM_002519.3 (MANE Select); coding-DNA position 1314, T replaced by G.
Protein change: p.Cys438Trp; replaces cysteine 438 with tryptophan.
Molecular consequence: missense variant.
Genome position (GRCh38, 1-based): chr11:108,173,670, A>C on the plus strand (T>G on the coding strand, the complement: NPAT is on the minus strand). VCF-style: chr11-108173670-A-C. GRCh37 (hg19) VCF-style: chr11-108044397-A-C.
Other names: c.1314T>G, p.Cys438Trp (NM_001321307.1); short protein forms C438W.
Identifiers: ClinVar variation 2587674 (VCV002587674.2), dbSNP rs2496721772, ClinGen allele CA382515647.
Genomic context (GRCh38, chr11:108,173,670, plus strand): 5'-ATTCCCTCTTTGGTTAAAGTCATTCAAATTAGGCACGGACTCAAAGGTAATGTCAATGTC[A>C]CACTTCTGTTCAGTGGGTACAGCTGTTTTAAAGGCCTTTTTCTGTATGCTGGTACTTATT-3'
Protein context (NP_002510.2, residues 428-448): FKTAVPTEQK[Cys438Trp]DIDITFESVP